The following is an entry in ClinVar:

ClinVar aggregate classification (germline): Likely benign (1 of 4 stars; one submission).

Allele frequency attached by ClinVar (database versions not stated): gnomAD exomes 0.00016 and 0.00058; gnomAD 0.00019 and 0.00027; TOPMed 0.00037; ExAC 0.00097; 1000 Genomes Project 0.00120; 1000 Genomes Project 30x 0.00125.
gnomAD v4.1: 309 of 1,505,674 alleles (0.021%); highest among the groups gnomAD compares: East Asian, 0.44%; 3 homozygotes.

Submission:

GeneDx
Classification: Likely benign. Last evaluated: 2017-07-28. Review status: criteria provided, single submitter. Criteria: GeneDx Variant Classification (06012015). Collection method: clinical testing. Allele origin: germline. Affected: yes.
Comment: This variant is considered likely benign or benign based on one or more of the following criteria: it is a conservative change, it occurs at a poorly conserved position in the protein, it is predicted to be benign by multiple in silico algorithms, and/or has population frequency not consistent with disease.

NM_001101362.3(KBTBD13):c.-17C>T

Gene: KBTBD13 (kelch repeat and BTB domain containing 13; plus strand). Cytogenetic location: 15q22.31.
Variant type: single nucleotide variant.
Coding change: c.-17C>T on transcript NM_001101362.3 (MANE Select); 17 bases upstream of the start codon, C replaced by T.
Molecular consequence: 5 prime UTR variant.
Genome position (GRCh38, 1-based): chr15:65,076,799, C>T. VCF-style: chr15-65076799-C-T. GRCh37 (hg19) VCF-style: chr15-65369137-C-T.
Identifiers: ClinVar variation 389836 (VCV000389836.1), dbSNP rs372844012, ClinGen allele CA7613825.
Genomic context (GRCh38, chr15:65,076,799, plus strand): 5'-TTGCTCCAGGGGAGCCCCAGAGTTGGTGGCTGGCTAACCCAAGGCCCCAGCGGCAGCCTC[C>T]GCCCGGCCAGCTCGCCATGGCACGGGGTCCACAGACCCTGGTGCAGGTGTGGGTGGGCGG-3'